The following is an entry in ClinVar:

NM_001165963.4(SCN1A):c.709G>C (p.Val237Leu)

Gene: SCN1A (sodium voltage-gated channel alpha subunit 1; minus strand). Cytogenetic location: 2q24.3.
Variant type: single nucleotide variant.
Coding change: c.709G>C on transcript NM_001165963.4 (MANE Select); coding-DNA position 709, G replaced by C.
Protein change: p.Val237Leu; replaces valine 237 with leucine.
Molecular consequence: missense variant. On other transcripts: 5 prime UTR variant (1), non-coding transcript variant (1).
Genome position (GRCh38, 1-based): chr2:166,051,974, C>G on the plus strand (G>C on the coding strand, the complement: SCN1A is on the minus strand). VCF-style: chr2-166051974-C-G. GRCh37 (hg19) VCF-style: chr2-166908484-C-G.
Other names: c.709G>C, p.Val237Leu (NM_001165964.3, NM_001202435.3, NM_001353948.2 and 10 more transcripts); c.-1717G>C (NM_001353961.2); short protein forms V237L.
Identifiers: ClinVar variation 2101470 (VCV002101470.4), dbSNP rs2468225315, ClinGen allele CA349073818.

ClinVar aggregate classification (germline): Likely pathogenic (1 of 4 stars; one submission).

Conditions:
Early-infantile DEE. Also called: Early infantile epileptic encephalopathy; Early infantile epileptic encephalopathy with suppression bursts; Ohtahara syndrome. Identifiers: Orphanet 1934, MedGen C0393706, MONDO:0800491.

Submission:

Labcorp Genetics (formerly Invitae), Labcorp
Classification: Likely pathogenic for Early-infantile DEE. Last evaluated: 2023-10-02. Review status: criteria provided, single submitter. Criteria: Invitae Variant Classification Sherloc (09022015). Collection method: clinical testing. Allele origin: germline.
Comment: This sequence change replaces valine, which is neutral and non-polar, with leucine, which is neutral and non-polar, at codon 237 of the SCN1A protein (p.Val237Leu). This variant is not present in population databases (gnomAD no frequency). This missense change has been observed in individuals with generalized epilepsy with febrile seizures, plus (PMID: 35571373; Invitae). ClinVar contains an entry for this variant (Variation ID: 2101470). Advanced modeling of protein sequence and biophysical properties (such as structural, functional, and spatial information, amino acid conservation, physicochemical variation, residue mobility, and thermodynamic stability) performed at Invitae indicates that this missense variant is expected to disrupt SCN1A protein function. In summary, the currently available evidence indicates that the variant is pathogenic, but additional data are needed to prove that conclusively. Therefore, this variant has been classified as Likely Pathogenic.

Literature cited by the submitters: PubMed 35571373.